The following is an entry in ClinVar:

NM_000260.4(MYO7A):c.1138G>A (p.Glu380Lys)

Gene: MYO7A (myosin VIIA; plus strand). Cytogenetic location: 11q13.5.
Variant type: single nucleotide variant.
Coding change: c.1138G>A on transcript NM_000260.4 (MANE Select); coding-DNA position 1138, G replaced by A.
Protein change: p.Glu380Lys; replaces glutamic acid 380 with lysine.
Molecular consequence: missense variant.
Genome position (GRCh38, 1-based): chr11:77,160,220, G>A. VCF-style: chr11-77160220-G-A. GRCh37 (hg19) VCF-style: chr11-76871266-G-A.
Other names: c.1138G>A, p.Glu380Lys (NM_001127180.2); c.1105G>A, p.Glu369Lys (NM_001369365.1); short protein forms E380K, E369K.
Identifiers: ClinVar variation 228998 (VCV000228998.8), dbSNP rs876657913, ClinGen allele CA10577211.

ClinVar aggregate classification (germline): Conflicting classifications of pathogenicity. Review status: criteria provided, conflicting classifications (1 of 4 stars). 5 submissions from 5 submitters: Likely pathogenic (1); Uncertain significance (3). 1 of the submissions does not count toward it. Last evaluated 2026-05-26.

Conditions:
Usher syndrome type 1 (USH1). Also called: RETINITIS PIGMENTOSA AND CONGENITAL DEAFNESS. Identifiers: Orphanet 231169, Orphanet 886, MedGen C1568247, MONDO:0010168, OMIM 276900.

Allele frequency attached by ClinVar (database versions not stated): gnomAD exomes 0.00001.
gnomAD v4.1: 10 of 1,582,098 alleles (0.00063%); highest among the groups gnomAD compares: Non-Finnish European, 0.00086%; no homozygotes.

Submissions (5):

Myriad Genetics, Inc.
Classification: Uncertain significance for Usher syndrome type 1. Last evaluated: 2026-05-26. Review status: criteria provided, single submitter. Criteria: Myriad Autosomal Dominant, Autosomal Recessive and X-Linked Classification Criteria (2023). Collection method: clinical testing. Allele origin: unknown.
Comment: NM_000260.3(MYO7A):c.1138G>A(E380K) is a missense variant classified as a variant of uncertain significance in the context of MYO7A-related disorders. E380K has been observed in a case with relevant disease (PMID: 22135276). Relevant functional assessments of this variant are not available in the literature. E380K has been observed in referenced population frequency databases. In summary, there is insufficient evidence to classify NM_000260.3(MYO7A):c.1138G>A(E380K) as pathogenic or benign. Please note: this variant was assessed in the context of healthy population screening.

MVZ Martinsried, Medicover Genetics
Classification: Likely pathogenic for Usher syndrome type 1. Last evaluated: 2025-02-10. Review status: criteria provided, single submitter. Criteria: ACGS Guidelines, 2020. Collection method: clinical testing. Allele origin: inherited. Affected: yes. Observed: 1 compound heterozygote.

Blueprint Genetics
Classification: Uncertain significance. Last evaluated: 2018-08-15. Review status: criteria provided, single submitter. Criteria: ACMG Guidelines, 2015. Collection method: clinical testing. Allele origin: germline.

Laboratory for Molecular Medicine, Mass General Brigham Personalized Medicine
Classification: Uncertain significance. Last evaluated: 2015-05-05. Review status: criteria provided, single submitter. Criteria: LMM Criteria. Collection method: clinical testing. Allele origin: germline. Observed: 1 variant allele.
Comment: Data from large population studies are insufficient to assess the frequency of this variant. Computational prediction tools and cons ervation analyses suggest that the p.Glu380Lys variant may impact the protein, t hough this information is not predictive enough to determine pathogenicity. In s ummary, the clinical significance of the p.Glu380Lys variant is uncertain.

Clinical Genetics Laboratory, University Hospital Schleswig-Holstein
Classification: Uncertain significance for Usher syndrome type 1. Last evaluated: 2024-08-07. Review status: no assertion criteria provided. Collection method: clinical testing. Allele origin: germline. Affected: yes. Not counted in ClinVar's aggregate classification.

Literature cited by the submitters: PubMed 22135276 (cited by Myriad Genetics, Inc. and Laboratory for Molecular Medicine, Mass General Brigham Personalized Medicine).